The following is an entry in ClinVar:

NM_030962.4(SBF2):c.4144T>G (p.Trp1382Gly)

Gene: SBF2 (SET binding factor 2; minus strand). Cytogenetic location: 11p15.4.
Variant type: single nucleotide variant.
Coding change: c.4144T>G on transcript NM_030962.4 (MANE Select); coding-DNA position 4144, T replaced by G.
Protein change: p.Trp1382Gly; replaces tryptophan 1382 with glycine.
Molecular consequence: missense variant.
Genome position (GRCh38, 1-based): chr11:9,812,543, A>C on the plus strand (T>G on the coding strand, the complement: SBF2 is on the minus strand). VCF-style: chr11-9812543-A-C. GRCh37 (hg19) VCF-style: chr11-9834090-A-C.
Other names: p.Trp1382Gly; c.4240T>G, p.Trp1414Gly (NM_001386339.1); c.4015T>G, p.Trp1339Gly (NM_001386342.1); c.4180T>G, p.Trp1394Gly (NM_001424318.1, NM_001425070.1); c.4039T>G, p.Trp1347Gly (NM_001425069.1); short protein forms W1339G, W1347G, W1382G, W1394G, W1414G.
Identifiers: ClinVar variation 2683136 (VCV002683136.1), dbSNP rs2494618884, ClinGen allele CA379642910.

ClinVar aggregate classification (germline): Uncertain significance (1 of 4 stars; one submission).

Submission:

Mayo Clinic Laboratories, Mayo Clinic
Classification: Uncertain significance. Last evaluated: 2022-03-11. Review status: criteria provided, single submitter. Criteria: ACMG Guidelines, 2015. Collection method: clinical testing. Allele origin: germline. Observed: 1 variant allele.
Comment: PP3, PM2